The following is an entry in ClinVar:

NM_004260.4(RECQL4):c.3040C>G (p.His1014Asp)

Gene: RECQL4 (RecQ like helicase 4; minus strand). Cytogenetic location: 8q24.3.
Variant type: single nucleotide variant.
Coding change: c.3040C>G on transcript NM_004260.4 (MANE Select); coding-DNA position 3040, C replaced by G.
Protein change: p.His1014Asp; replaces histidine 1014 with aspartic acid.
Molecular consequence: missense variant.
Genome position (GRCh38, 1-based): chr8:144,512,407, G>C on the plus strand (C>G on the coding strand, the complement: RECQL4 is on the minus strand). VCF-style: chr8-144512407-G-C. GRCh37 (hg19) VCF-style: chr8-145737790-G-C.
Other names: short protein forms H1014D.
Identifiers: ClinVar variation 1021788 (VCV001021788.5), dbSNP rs760096494, ClinGen allele CA4947967.

ClinVar aggregate classification (germline): Uncertain significance (1 of 4 stars; one submission).

Conditions:
Baller-Gerold syndrome (BGS). Also called: CRANIOSYNOSTOSIS WITH RADIAL DEFECTS. Identifiers: Orphanet 1225, MedGen C0265308, MONDO:0009039, OMIM 218600.

Allele frequency attached by ClinVar (database versions not stated): gnomAD exomes below 0.00001 and 0.00001; ExAC 0.00001.
gnomAD v4.1: 2 of 1,607,460 alleles (0.00012%); highest among the groups gnomAD compares: Admixed American, 0.0033%; no homozygotes.

Submission:

Labcorp Genetics (formerly Invitae), Labcorp
Classification: Uncertain significance for Baller-Gerold syndrome. Last evaluated: 2022-10-17. Review status: criteria provided, single submitter. Criteria: Invitae Variant Classification Sherloc (09022015). Collection method: clinical testing. Allele origin: germline.
Comment: In summary, the available evidence is currently insufficient to determine the role of this variant in disease. Therefore, it has been classified as a Variant of Uncertain Significance. Advanced modeling of protein sequence and biophysical properties (such as structural, functional, and spatial information, amino acid conservation, physicochemical variation, residue mobility, and thermodynamic stability) performed at Invitae indicates that this missense variant is not expected to disrupt RECQL4 protein function. ClinVar contains an entry for this variant (Variation ID: 1021788). This variant has not been reported in the literature in individuals affected with RECQL4-related conditions. This variant is present in population databases (rs760096494, gnomAD 0.006%). This sequence change replaces histidine, which is basic and polar, with aspartic acid, which is acidic and polar, at codon 1014 of the RECQL4 protein (p.His1014Asp).